The following is an entry in ClinVar:

ClinVar aggregate classification (germline): Uncertain significance. Review status: criteria provided, multiple submitters, no conflicts (2 of 4 stars). 2 submissions from 2 submitters: Uncertain significance (2). Last evaluated 2022-10-17.

Conditions:
Cardiovascular phenotype. Identifiers: MedGen CN230736.
Ehlers-Danlos syndrome, musculocontractural type (EDSMC). Also called: ADDUCTED THUMB-CLUBFOOT SYNDROME; ARTHROGRYPOSIS, DISTAL, WITH PECULIAR FACIES AND HYDRONEPHROSIS; Adducted thumb, clubfoot, progressive joint and skin laxity syndrome; DUNDAR SYNDROME. Identifiers: Orphanet 2953, MedGen C1866294, MONDO:0011142.

Allele frequency attached by ClinVar (database versions not stated): gnomAD 0.00001; TOPMed below 0.00001.

Submissions (2):

Ambry Genetics
Classification: Uncertain significance for Cardiovascular phenotype. Last evaluated: 2022-10-17. Review status: criteria provided, single submitter. Criteria: Ambry Variant Classification Scheme 2023. Collection method: clinical testing. Allele origin: germline.
Comment: The p.D183G variant (also known as c.548A>G), located in coding exon 1 of the CHST14 gene, results from an A to G substitution at nucleotide position 548. The aspartic acid at codon 183 is replaced by glycine, an amino acid with similar properties. This amino acid position is conserved. In addition, the in silico prediction for this alteration is inconclusive. Since supporting evidence is limited at this time, the clinical significance of this alteration remains unclear.

Labcorp Genetics (formerly Invitae), Labcorp
Classification: Uncertain significance for Ehlers-Danlos syndrome, musculocontractural type. Last evaluated: 2021-08-30. Review status: criteria provided, single submitter. Criteria: Invitae Variant Classification Sherloc (09022015). Collection method: clinical testing. Allele origin: germline.
Comment: Algorithms developed to predict the effect of missense changes on protein structure and function are either unavailable or do not agree on the potential impact of this missense change (SIFT: "Tolerated"; PolyPhen-2: "Possibly Damaging"; Align-GVGD: "Class C0"). In summary, the available evidence is currently insufficient to determine the role of this variant in disease. Therefore, it has been classified as a Variant of Uncertain Significance. This variant has not been reported in the literature in individuals with CHST14-related conditions. This variant is not present in population databases (ExAC no frequency). This sequence change replaces aspartic acid with glycine at codon 183 of the CHST14 protein (p.Asp183Gly). The aspartic acid residue is highly conserved and there is a moderate physicochemical difference between aspartic acid and glycine.

NM_130468.4(CHST14):c.548A>G (p.Asp183Gly)

Gene: CHST14 (carbohydrate sulfotransferase 14; plus strand). Cytogenetic location: 15q15.1.
Variant type: single nucleotide variant.
Coding change: c.548A>G on transcript NM_130468.4 (MANE Select); coding-DNA position 548, A replaced by G.
Protein change: p.Asp183Gly; replaces aspartic acid 183 with glycine.
Molecular consequence: missense variant.
Genome position (GRCh38, 1-based): chr15:40,471,761, A>G. VCF-style: chr15-40471761-A-G. GRCh37 (hg19) VCF-style: chr15-40763960-A-G.
Other names: short protein forms D183G.
Identifiers: ClinVar variation 650778 (VCV000650778.10), dbSNP rs1595869476, ClinGen allele CA391766212.